The following is an entry in ClinVar:

ClinVar aggregate classification (germline): Likely benign. Review status: criteria provided, multiple submitters, no conflicts (2 of 4 stars). 3 submissions from 3 submitters: Likely benign (2). 1 of the submissions does not count toward it. Last evaluated 2026-09-01.

Conditions:
ARMC9-related disorder. Also called: ARMC9-related condition.

Allele frequency attached by ClinVar (database versions not stated): TOPMed 0.00003; gnomAD exomes 0.00005; gnomAD 0.00006; ExAC 0.00008.
gnomAD v4.1: 73 of 1,535,896 alleles (0.0048%); highest among the groups gnomAD compares: Middle Eastern, 0.1%; no homozygotes.

Submissions (3):

CeGaT Center for Human Genetics Tuebingen
Classification: Likely benign. Last evaluated: 2026-09-01. Review status: criteria provided, single submitter. Criteria: CeGaT Center For Human Genetics Tuebingen Variant Classification Criteria Version 2. Collection method: clinical testing. Allele origin: germline. Affected: yes. Observed: 2 variant alleles.
Comment: ARMC9: BP4, BP7

Labcorp Genetics (formerly Invitae), Labcorp
Classification: Likely benign. Last evaluated: 2025-06-27. Review status: criteria provided, single submitter. Criteria: Invitae Variant Classification Sherloc (09022015). Collection method: clinical testing. Allele origin: germline.

PreventionGenetics, part of Exact Sciences
Classification: Likely benign for ARMC9-related condition. Last evaluated: 2020-08-17. Review status: no assertion criteria provided. Collection method: clinical testing. Allele origin: germline. Not counted in ClinVar's aggregate classification.
Comment: This variant is classified as likely benign based on ACMG/AMP sequence variant interpretation guidelines (Richards et al. 2015 PMID: 25741868, with internal and published modifications).

NM_001352754.2(ARMC9):c.2109G>A (p.Pro703=)

Gene: ARMC9 (armadillo repeat containing 9; plus strand). Cytogenetic location: 2q37.1.
Variant type: single nucleotide variant.
Coding change: c.2109G>A on transcript NM_001352754.2 (MANE Select); coding-DNA position 2109, G replaced by A.
Protein change: p.Pro703=; no amino-acid change (proline 703 retained).
Molecular consequence: synonymous variant.
Genome position (GRCh38, 1-based): chr2:231,355,912, G>A. VCF-style: chr2-231355912-G-A. GRCh37 (hg19) VCF-style: chr2-232220624-G-A.
Other names: c.2109G>A, p.Pro703= (NM_001271466.4); c.2109G>A (NM_001352754.1).
Identifiers: ClinVar variation 1346014 (VCV001346014.32), dbSNP rs781559742, ClinGen allele CA2160579.